The following is an entry in ClinVar:

NM_000548.5(TSC2):c.3099C>A (p.Tyr1033Ter)

Gene: TSC2 (TSC complex subunit 2; plus strand). Cytogenetic location: 16p13.3.
Variant type: single nucleotide variant.
Coding change: c.3099C>A on transcript NM_000548.5 (MANE Select); coding-DNA position 3099, C replaced by A.
Protein change: p.Tyr1033Ter; replaces tyrosine 1033 with a stop codon.
Molecular consequence: nonsense.
Genome position (GRCh38, 1-based): chr16:2,079,164, C>A. VCF-style: chr16-2079164-C-A. GRCh37 (hg19) VCF-style: chr16-2129165-C-A.
Other names: c.2967C>A, p.Tyr989Ter (NM_001077183.3, NM_001370404.1); c.3099C>A, p.Tyr1033Ter (NM_001114382.3); c.2859C>A, p.Tyr953Ter (NM_001318827.2); c.2823C>A, p.Tyr941Ter (NM_001318829.2); c.2367C>A, p.Tyr789Ter (NM_001318831.2); c.3000C>A, p.Tyr1000Ter (NM_001318832.2); c.2970C>A, p.Tyr990Ter (NM_001363528.2, NM_001370405.1, NM_021055.3); short protein forms Y1033*, Y1000*, Y941*, Y989*, Y789*, Y990*, Y953*.
Identifiers: ClinVar variation 49734 (VCV000049734.13), dbSNP rs45464800, ClinGen allele CA018520.
Genomic context (GRCh38, chr16:2,079,164, plus strand): 5'-TAGCCTGAAAAACCTCCACCTGGAGCTCACGGAAACCTGTCTGGACATGATGGCTCGATA[C>A]GTCTTCTCCAACTTCACGGCTGTCCCGAAGAGGTCCAGGCGGCACTACAGGGCTGGGCGG-3'

ClinVar aggregate classification (germline): Pathogenic. Review status: criteria provided, multiple submitters, no conflicts (2 of 4 stars). 5 submissions from 5 submitters: Pathogenic (4). 1 of the submissions does not count toward it. Last evaluated 2024-06-30.

Conditions:
TSC2-related disorder. Also called: TSC2-Related Disorders; TSC2-related condition.
Tuberous sclerosis syndrome (TSC). Also called: Tuberous Sclerosis Complex; Tuberous sclerosis. Identifiers: Orphanet 805, MedGen C0041341, MONDO:0001734.
Tuberous sclerosis 2 (TSC2). Identifiers: Orphanet 805, MedGen C1860707, MONDO:0013199, OMIM 613254.

Submissions (5):

Labcorp Genetics (formerly Invitae), Labcorp
Classification: Pathogenic for Tuberous sclerosis 2. Last evaluated: 2024-06-30. Review status: criteria provided, single submitter. Criteria: Invitae Variant Classification Sherloc (09022015). Collection method: clinical testing. Allele origin: germline.
Comment: This sequence change creates a premature translational stop signal (p.Tyr1033*) in the TSC2 gene. It is expected to result in an absent or disrupted protein product. Loss-of-function variants in TSC2 are known to be pathogenic (PMID: 10205261, 17304050). This variant is not present in population databases (gnomAD no frequency). This premature translational stop signal has been observed in individual(s) with tuberous sclerosis (PMID: 11112665). ClinVar contains an entry for this variant (Variation ID: 49734). For these reasons, this variant has been classified as Pathogenic.

Genome-Nilou Lab
Classification: Pathogenic for Tuberous sclerosis 2. Last evaluated: 2021-11-07. Review status: criteria provided, single submitter. Criteria: ACMG Guidelines, 2015. Collection method: clinical testing. Allele origin: germline. Affected: no.

Blueprint Genetics
Classification: Pathogenic for TSC2-related disorders. Last evaluated: 2019-12-31. Review status: criteria provided, single submitter. Criteria: ACMG Guidelines, 2015. Collection method: clinical testing. Allele origin: germline. Affected: yes. Observed: 1 variant allele.

GeneDx
Classification: Pathogenic. Last evaluated: 2018-08-30. Review status: criteria provided, single submitter. Criteria: GeneDx Variant Classification (06012015). Collection method: clinical testing. Allele origin: germline. Affected: yes.
Comment: The Y1033X nonsense variant in the TSC2 gene has been reported previously in association with tuberous sclerosis complex (Dabora et al., 2001; TSC2 LOVD). This pathogenic variant is predicted to cause loss of normal protein function either through protein truncation or nonsense-mediated mRNA decay. Furthemore, the Y1033X variant is not observed in large population cohorts (Lek et al., 2016). Therefore, the Y1033X variant is considered a pathogenic variant.

Tuberous sclerosis database (TSC2)
No classification provided. Condition: TSC. Review status: no classification provided. Criteria: Tuberous Sclerosis Database Assertion Criteria 2015. Collection method: curation. Allele origin: germline. Affected: yes. Not counted in ClinVar's aggregate classification.

Literature cited by the submitters: PubMed 10205261 (cited by Labcorp Genetics (formerly Invitae), Labcorp); PubMed 17304050 (cited by Labcorp Genetics (formerly Invitae), Labcorp); PubMed 11112665 (cited by Labcorp Genetics (formerly Invitae), Labcorp).